The following is an entry in ClinVar:

ClinVar aggregate classification (germline): Uncertain significance. Review status: criteria provided, multiple submitters, no conflicts (2 of 4 stars). 2 submissions from 2 submitters: Uncertain significance (2). Last evaluated 2025-11-18.

Conditions:
Hereditary cancer-predisposing syndrome. Also called: Neoplastic Syndromes, Hereditary; Hereditary neoplastic syndrome; Tumor predisposition; Hereditary Cancer Syndrome. Identifiers: Orphanet 140162, MedGen C0027672, MeSH D009386, MONDO:0015356.
Tuberous sclerosis 2 (TSC2). Identifiers: Orphanet 805, MedGen C1860707, MONDO:0013199, OMIM 613254.

Allele frequency attached by ClinVar (database versions not stated): gnomAD exomes below 0.00001.
gnomAD v4.1: 1 of 1,614,128 alleles (0.000062%); highest among the groups gnomAD compares: Non-Finnish European, 0.000085%; no homozygotes.

Submissions (2):

Labcorp Genetics (formerly Invitae), Labcorp
Classification: Uncertain significance for Tuberous sclerosis 2. Last evaluated: 2025-11-18. Review status: criteria provided, single submitter. Criteria: Invitae Variant Classification Sherloc (09022015). Collection method: clinical testing. Allele origin: germline.
Comment: This sequence change replaces tyrosine, which is neutral and polar, with cysteine, which is neutral and slightly polar, at codon 719 of the TSC2 protein (p.Tyr719Cys). This variant is not present in population databases (gnomAD no frequency). This variant has not been reported in the literature in individuals affected with TSC2-related conditions. ClinVar contains an entry for this variant (Variation ID: 843399). Invitae Evidence Modeling of protein sequence and biophysical properties (such as structural, functional, and spatial information, amino acid conservation, physicochemical variation, residue mobility, and thermodynamic stability) indicates that this missense variant is not expected to disrupt TSC2 protein function with a negative predictive value of 95%. In summary, the available evidence is currently insufficient to determine the role of this variant in disease. Therefore, it has been classified as a Variant of Uncertain Significance.

Ambry Genetics
Classification: Uncertain significance for Hereditary cancer-predisposing syndrome. Last evaluated: 2025-08-14. Review status: criteria provided, single submitter. Criteria: Ambry Variant Classification Scheme 2023. Collection method: clinical testing. Allele origin: germline.
Comment: The p.Y719C variant (also known as c.2156A>G), located in coding exon 19 of the TSC2 gene, results from an A to G substitution at nucleotide position 2156. The tyrosine at codon 719 is replaced by cysteine, an amino acid with highly dissimilar properties. This amino acid position is well conserved in available vertebrate species. In addition, this alteration is predicted to be deleterious by in silico analysis. Based on the available evidence, the clinical significance of this variant remains unclear.

NM_000548.5(TSC2):c.2156A>G (p.Tyr719Cys)

Gene: TSC2 (TSC complex subunit 2; plus strand). Cytogenetic location: 16p13.3.
Variant type: single nucleotide variant.
Coding change: c.2156A>G on transcript NM_000548.5 (MANE Select); coding-DNA position 2156, A replaced by G.
Protein change: p.Tyr719Cys; replaces tyrosine 719 with cysteine.
Molecular consequence: missense variant.
Genome position (GRCh38, 1-based): chr16:2,072,299, A>G. VCF-style: chr16-2072299-A-G. GRCh37 (hg19) VCF-style: chr16-2122300-A-G.
Other names: c.2156A>G, p.Tyr719Cys (NM_001077183.3, NM_001114382.3, NM_001363528.2 and 3 more transcripts); c.2045A>G, p.Tyr682Cys (NM_001318827.2); c.2009A>G, p.Tyr670Cys (NM_001318829.2); c.1556A>G, p.Tyr519Cys (NM_001318831.2); c.2189A>G, p.Tyr730Cys (NM_001318832.2); short protein forms Y670C, Y719C, Y519C, Y730C, Y682C.
Identifiers: ClinVar variation 843399 (VCV000843399.13), dbSNP rs2088573975, ClinGen allele CA394274857.